The following is an entry in ClinVar:

NM_006493.4(CLN5):c.448C>T (p.Arg150Ter)

Gene: CLN5 (CLN5 lysosomal BMP synthase; plus strand). Cytogenetic location: 13q22.3.
Variant type: single nucleotide variant.
Coding change: c.448C>T on transcript NM_006493.4 (MANE Select); coding-DNA position 448, C replaced by T.
Protein change: p.Arg150Ter; replaces arginine 150 with a stop codon.
Molecular consequence: nonsense.
Genome position (GRCh38, 1-based): chr13:76,996,010, C>T. VCF-style: chr13-76996010-C-T. GRCh37 (hg19) VCF-style: chr13-77570145-C-T.
Other names: p.R199*:CGA>TGA; p.Arg150*; c.595C>T (LRG_692t1); c.448C>T, p.Arg150Ter (NM_001366624.2); short protein forms R150*.
Identifiers: ClinVar variation 205144 (VCV000205144.37), dbSNP rs546989392, ClinGen allele CA313918.

ClinVar aggregate classification (germline): Pathogenic. Review status: criteria provided, multiple submitters, no conflicts (2 of 4 stars). 20 submissions from 20 submitters: Pathogenic (14). 6 of the submissions do not count toward it. Last evaluated 2025-12-24.

Conditions:
Neuronal ceroid lipofuscinosis. Also called: Neuronal Ceroid Lipofuscinoses. Identifiers: Orphanet 216, Orphanet 79263, MedGen C0027877, MONDO:0016295. Disease mechanism: loss of function.
Neuronal ceroid lipofuscinosis 5 (CLN5). Also called: CEROID LIPOFUSCINOSIS, NEURONAL, 5, VARIABLE AGE AT ONSET; CLN5-Related Neuronal Ceroid-Lipofuscinosis; Neuronal ceroid lipofuscinosis Finnish variant; NEURONAL CEROID LIPOFUSCINOSIS, LATE INFANTILE, FINNISH VARIANT. Identifiers: Orphanet 168491, Orphanet 228360, MedGen C1850442, MONDO:0009745, OMIM 256731.
CLN5-related disorder. Also called: CLN5-related condition.

Allele frequency attached by ClinVar (database versions not stated): ExAC 0.00002; gnomAD exomes 0.00002 and 0.00004; TOPMed 0.00006; gnomAD 0.00010.

Submissions (20):

Department of Molecular Genetics, Istishari Arab Hospital
Classification: Pathogenic for Neuronal ceroid lipofuscinosis 5. Last evaluated: 2025-12-24. Review status: criteria provided, single submitter. Criteria: ACMG Guidelines, 2015. Collection method: clinical testing. Allele origin: germline. Inheritance: Autosomal recessive inheritance. Affected: yes.
Comment: The CLN5 variant c.448C>T, p.Arg150*creates a premature stop codon at position 150. This stop-gained (nonsense) variant is predicted to result in a loss or disruption of normal protein function through nonsense-mediated decay (NMD) or protein truncation. This variant is observed with very low frequency in the gnomAD v4.1.0 dataset (<0.001). This variant has been previously reported in individuals with ceroid-lipofuscinosis 5 (PMID: 28542837, 23374165, 20157158). It is classified as pathogenic according to the recommendations of ACMG/AMP/ClinGen SVI guidelines.

Natera, Inc.
Classification: Pathogenic for Neuronal ceroid lipofuscinosis. Last evaluated: 2025-12-17. Review status: criteria provided, single submitter. Criteria: Natera Variant Classification Schema (03/2026). Collection method: clinical testing. Allele origin: germline.
Comment: The c.595C>T variant in CLN5 is a nonsense variant predicted to introduce a stop codon at amino acid 199. This variant is expected to result in nonsense mediated decay, truncation, or a dysfunctional protein product. This variant is rare in the general population with a frequency below the threshold expected for the associated phenotype(s). This variant has been observed in one or more individuals affected with the associated recessive disease, as either homozygous or compound heterozygous with a second variant (PMID: 31694722, 34888859). Given the available evidence, this variant is classified as Pathogenic.

Labcorp Genetics (formerly Invitae), Labcorp
Classification: Pathogenic for Neuronal ceroid lipofuscinosis. Last evaluated: 2025-10-15. Review status: criteria provided, single submitter. Criteria: Invitae Variant Classification Sherloc (09022015). Collection method: clinical testing. Allele origin: germline.
Comment: This sequence change creates a premature translational stop signal (p.Arg199*) in the CLN5 gene. It is expected to result in an absent or disrupted protein product. Loss-of-function variants in CLN5 are known to be pathogenic (PMID: 20157158). This variant is present in population databases (rs546989392, gnomAD 0.006%). This premature translational stop signal has been observed in individuals with neuronal ceroid lipofuscinosis (PMID: 23374165; internal data). ClinVar contains an entry for this variant (Variation ID: 205144). For these reasons, this variant has been classified as Pathogenic.

Variantyx, Inc.
Classification: Pathogenic for Neuronal ceroid lipofuscinosis 5. Last evaluated: 2025-03-13. Review status: criteria provided, single submitter. Criteria: Variantyx Assertion Criteria 2022. Collection method: clinical testing. Allele origin: germline. Affected: yes.
Comment: This is a nonsense variant in the CLN5 gene (OMIM: 608102). Pathogenic variants in this gene have been associated with autosomal recessive neuronal ceroid lipofuscinosis 5. This variant introduces a premature termination codon in exon 3 out of 4. It is expected to result in loss of function, which is a known disease mechanism for CLN5 in this disorder (PMID: 20157158) (PVS1). This variant has a 0.0100% maximum allele frequency in non-founder control populations (PM2_Supporting). Based on the current evidence, this variant is classified as pathogenic for autosomal recessive neuronal ceroid lipofuscinosis 5.

Mayo Clinic Laboratories, Mayo Clinic
Classification: Pathogenic. Last evaluated: 2024-06-06. Review status: criteria provided, single submitter. Criteria: ACMG Guidelines, 2015. Collection method: clinical testing. Allele origin: germline. Observed: 2 variant alleles.
Comment: PM2, PM3, PS4_moderate, PVS1

Genomic Medicine Center of Excellence, King Faisal Specialist Hospital and Research Centre
Classification: Pathogenic for Neuronal ceroid lipofuscinosis 5. Last evaluated: 2024-03-17. Review status: criteria provided, single submitter. Criteria: ACMG Guidelines, 2015. Collection method: research. Allele origin: germline.

Baylor Genetics
Classification: Pathogenic for Neuronal ceroid lipofuscinosis 5. Last evaluated: 2024-03-04. Review status: criteria provided, single submitter. Criteria: ACMG Guidelines, 2015. Collection method: clinical testing. Allele origin: unknown.

3billion
Classification: Pathogenic for Neuronal ceroid lipofuscinosis 5. Last evaluated: 2023-12-12. Review status: criteria provided, single submitter. Criteria: ACMG Guidelines, 2015. Collection method: clinical testing. Allele origin: germline. Affected: yes.
Comment: The variant is observed at an extremely low frequency in the gnomAD v2.1.1 dataset (total allele frequency: 0.003%). Predicted Consequence/Location: Stop-gained (nonsense): predicted to result in a loss or disruption of normal protein function through nonsense-mediated decay (NMD) or protein truncation. Multiple pathogenic variants are reported downstream of the variant. The variant has been reported at least twice as pathogenic with clinical assertions and evidence for the classification (ClinVar ID: VCV000205144 /PMID: 23374165). Therefore, this variant is classified as Pathogenic according to the recommendation of ACMG/AMP guideline.

GeneDx
Classification: Pathogenic. Last evaluated: 2023-05-25. Review status: criteria provided, single submitter. Criteria: GeneDx Variant Classification Process June 2021. Collection method: clinical testing. Allele origin: germline. Affected: yes.
Comment: Nonsense variant predicted to result in protein truncation or nonsense mediated decay in a gene for which loss-of-function is a known mechanism of disease; Not observed at significant frequency in large population cohorts (gnomAD); This variant is associated with the following publications: (PMID: 31130284, 33602879, 32983231, 29655203, 30078242, 34888859, 31440721, 35795805, 31069529, 31694722, 23374165)

Women's Health and Genetics/Laboratory Corporation of America, LabCorp
Classification: Pathogenic for Neuronal ceroid lipofuscinosis. Last evaluated: 2022-09-28. Review status: criteria provided, single submitter. Criteria: LabCorp Variant Classification Summary - May 2015. Collection method: clinical testing. Allele origin: germline.
Comment: Variant summary: CLN5 c.448C>T (p.Arg150X) results in a premature termination codon, predicted to cause a truncation of the encoded protein or absence of the protein due to nonsense mediated decay, which are commonly known mechanisms for disease. Truncations downstream of this position have been classified as pathogenic in ClinVar database. The variant allele was found at a frequency of 2e-05 in 251490 control chromosomes (gnomAD). c.448C>T has been reported in the literature in multiple individuals affected with Neuronal Ceroid-Lipofuscinosis (Batten Disease) or CLN5-related disorder (Santorelli_2013, Lindy_2018, Monies_2019). These data indicate that the variant is very likely to be associated with disease. To our knowledge, no experimental evidence demonstrating an impact on protein function has been reported. Eight ClinVar submitters (evaluation after 2014) cite the variant as pathogenic/likely pathogenic. Based on the evidence outlined above, the variant was classified as pathogenic.

Genome-Nilou Lab
Classification: Pathogenic for Neuronal ceroid lipofuscinosis 5. Last evaluated: 2021-08-10. Review status: criteria provided, single submitter. Criteria: ACMG Guidelines, 2015. Collection method: clinical testing. Allele origin: germline. Affected: no.

Revvity Omics, Revvity
Classification: Pathogenic for Neuronal ceroid lipofuscinosis 5. Last evaluated: 2020-12-01. Review status: criteria provided, single submitter. Criteria: ACMG Guidelines, 2015. Collection method: clinical testing. Allele origin: germline.

Fulgent Genetics
Classification: Pathogenic for Neuronal ceroid lipofuscinosis 5. Last evaluated: 2018-10-31. Review status: criteria provided, single submitter. Criteria: ACMG Guidelines, 2015. Collection method: clinical testing. Allele origin: unknown.

Pathology and Clinical Laboratory Medicine, King Fahad Medical City
Classification: Pathogenic for Neuronal ceroid lipofuscinosis 5. Review status: criteria provided, single submitter. Criteria: ACMG Guidelines, 2015. Collection method: clinical testing. Allele origin: germline. Affected: yes. Observed: 2 variant alleles.

PreventionGenetics, part of Exact Sciences
Classification: Pathogenic for CLN5-related condition. Last evaluated: 2024-02-05. Review status: no assertion criteria provided. Collection method: clinical testing. Allele origin: germline. Not counted in ClinVar's aggregate classification.
Comment: The CLN5 c.595C>T variant is predicted to result in premature protein termination (p.Arg199*). This variant was reported in an individual with late infantile neuronal ceroid lipofuscinosis (Table S1, Santorelli et al. 2013. PubMed ID: 23374165) and in the homozygous state in a patient with neurodevelopmental delay and epilepsy (Lindstrand et al. 2019. PubMed ID: 31694722). This variant is reported in 0.0056% of alleles in individuals of Latino descent in gnomAD. Nonsense variants in CLN5 are expected to be pathogenic. This variant is interpreted as pathogenic.

Biochemical Molecular Genetic Laboratory, King Abdulaziz Medical City
Classification: Pathogenic for Neuronal ceroid lipofuscinosis 5. Last evaluated: 2020-02-05. Review status: no assertion criteria provided. Collection method: clinical testing. Allele origin: germline. Affected: yes. Not counted in ClinVar's aggregate classification.

Counsyl
Classification: Likely pathogenic for Neuronal ceroid lipofuscinosis 5. Last evaluated: 2017-03-03. Review status: no assertion criteria provided. Collection method: clinical testing. Allele origin: unknown. Not counted in ClinVar's aggregate classification.

Clinical Genetics DNA and cytogenetics Diagnostics Lab, Erasmus MC, Erasmus Medical Center
Classification: Pathogenic. Review status: no assertion criteria provided. Collection method: clinical testing. Allele origin: germline. Affected: yes. Study: VKGL Data-share Consensus. Not counted in ClinVar's aggregate classification.

Diagnostic Laboratory, Department of Genetics, University Medical Center Groningen
Classification: Likely pathogenic for Neuronal ceroid lipofuscinosis 5. Review status: no assertion criteria provided. Collection method: clinical testing. Allele origin: germline. Affected: yes. Study: VKGL Data-share Consensus. Not counted in ClinVar's aggregate classification.

Genome Diagnostics Laboratory, Amsterdam University Medical Center
Classification: Pathogenic. Review status: no assertion criteria provided. Collection method: clinical testing. Allele origin: germline. Affected: yes. Study: VKGL Data-share Consensus. Not counted in ClinVar's aggregate classification.

Literature cited by the submitters: PubMed 28542837 (cited by 3 submitters); PubMed 23374165 (cited by 5 submitters); PubMed 20157158 (cited by Department of Molecular Genetics, Istishari Arab Hospital and Labcorp Genetics (formerly Invitae), Labcorp); PubMed 31694722 (cited by Natera, Inc.); PubMed 34888859 (cited by Natera, Inc.); PubMed 29655203 (cited by Mayo Clinic Laboratories, Mayo Clinic and Women's Health and Genetics/Laboratory Corporation of America, LabCorp); PubMed 30078242 (cited by Mayo Clinic Laboratories, Mayo Clinic); PubMed 31130284 (cited by Mayo Clinic Laboratories, Mayo Clinic and Women's Health and Genetics/Laboratory Corporation of America, LabCorp).